The following is an entry in ClinVar:

ClinVar aggregate classification (germline): Likely benign (1 of 4 stars; one submission).

Submission:

GeneDx
Classification: Likely benign. Last evaluated: 2017-11-03. Review status: criteria provided, single submitter. Criteria: GeneDx Variant Classification (06012015). Collection method: clinical testing. Allele origin: germline. Affected: yes.
Comment: This variant is considered likely benign or benign based on one or more of the following criteria: it is a conservative change, it occurs at a poorly conserved position in the protein, it is predicted to be benign by multiple in silico algorithms, and/or has population frequency not consistent with disease.

NM_001852.4(COL9A2):c.1323+19G>A

Gene: COL9A2 (collagen type IX alpha 2 chain; minus strand). Cytogenetic location: 1p34.2.
Variant type: single nucleotide variant.
Coding change: c.1323+19G>A on transcript NM_001852.4 (MANE Select); 19 bases into the intron after coding-DNA position 1323, G replaced by A.
Molecular consequence: intron variant.
Genome position (GRCh38, 1-based): chr1:40,304,045, C>T on the plus strand (G>A on the coding strand, the complement: COL9A2 is on the minus strand). VCF-style: chr1-40304045-C-T. GRCh37 (hg19) VCF-style: chr1-40769717-C-T.
Identifiers: ClinVar variation 513039 (VCV000513039.1), dbSNP rs1553182741, ClinGen allele CA658795434.